The following is an entry in ClinVar:

NM_001793.6(CDH3):c.160+1G>A

Genes: CDH3 (cadherin 3; plus strand), CDH3-AS1 (CDH3 antisense RNA 1; minus strand). Cytogenetic location: 16q22.1.
Variant type: single nucleotide variant.
Coding change: c.160+1G>A on transcript NM_001793.6 (MANE Select); the canonical splice donor site of the intron after coding-DNA position 160, G replaced by A.
Molecular consequence: splice donor variant. On other transcripts: intron variant (1).
Genome position (GRCh38, 1-based): chr16:68,645,751, G>A. VCF-style: chr16-68645751-G-A. GRCh37 (hg19) VCF-style: chr16-68679654-G-A.
Other names: c.-6+327G>A (NM_001317196.2); c.160+1G>A (NM_001317195.3).
Identifiers: ClinVar variation 1322049 (VCV001322049.12), dbSNP rs1474181679, ClinGen allele CA396455404.

ClinVar aggregate classification (germline): Pathogenic. Review status: criteria provided, multiple submitters, no conflicts (2 of 4 stars). 6 submissions from 6 submitters: Pathogenic (6). Last evaluated 2026-03-28.

Conditions:
Congenital hypotrichosis with juvenile macular dystrophy (HJMD). Also called: HYPOTRICHOSIS WITH CONE-ROD DYSTROPHY. Identifiers: Orphanet 1573, MedGen C1832162, MONDO:0011107, OMIM 601553.
CDH3-related disorder. Also called: CDH3-related condition.
Retinal dystrophy. Also called: Inherited retinal dystrophy. Identifiers: Orphanet 71862, MedGen C0854723, MeSH D058499, MONDO:0019118, HP:0000556.

Allele frequency attached by ClinVar (database versions not stated): gnomAD 0.00001; gnomAD exomes 0.00001.
gnomAD v4.1: 39 of 1,542,684 alleles (0.0025%); highest among the groups gnomAD compares: Admixed American, 0.0039%; no homozygotes.

Submissions (6):

GeneDx
Classification: Pathogenic. Last evaluated: 2026-03-28. Review status: criteria provided, single submitter. Criteria: GeneDx Variant Classification Process June 2021. Collection method: clinical testing. Allele origin: germline.
Comment: Reported in association with juvenile macular dystrophy in probands who also harbor a second variant in the CDH3 gene; however, the phase of these variants is not reported (PMID: 17342797, 34301208); Canonical splice site variant predicted to result in a null allele in a gene for which loss of function is a known mechanism of disease; This variant is associated with the following publications: (PMID: 31964843, 25525159, 31696509, 17342797, 34301208, 33837674)

Labcorp Genetics (formerly Invitae), Labcorp
Classification: Pathogenic. Last evaluated: 2025-09-02. Review status: criteria provided, single submitter. Criteria: Invitae Variant Classification Sherloc (09022015). Collection method: clinical testing. Allele origin: germline.
Comment: This sequence change affects a donor splice site in intron 2 of the CDH3 gene. It is expected to disrupt RNA splicing. Variants that disrupt the donor or acceptor splice site typically lead to a loss of protein function (PMID: 16199547), and loss-of-function variants in CDH3 are known to be pathogenic (PMID: 15805154, 27386845, 29620724). This variant is present in population databases (no rsID available, gnomAD 0.004%). Disruption of this splice site has been observed in individuals with hypotrichosis and juvenile macular dystrophy (PMID: 17342797, 31696509). It has also been observed to segregate with disease in related individuals. ClinVar contains an entry for this variant (Variation ID: 1322049). Algorithms developed to predict the effect of sequence changes on RNA splicing suggest that this variant may disrupt the consensus splice site. For these reasons, this variant has been classified as Pathogenic.

Blueprint Genetics
Classification: Pathogenic for CDH3-related disorders. Last evaluated: 2022-12-23. Review status: criteria provided, single submitter. Criteria: ACMG Guidelines, 2015. Collection method: clinical testing. Allele origin: germline. Affected: yes. Observed: 4 variant alleles.

Revvity Omics, Revvity
Classification: Pathogenic. Last evaluated: 2019-06-18. Review status: criteria provided, single submitter. Criteria: ACMG Guidelines, 2015. Collection method: clinical testing. Allele origin: germline.

Institute of Human Genetics, Univ. Regensburg, Univ. Regensburg
Classification: Pathogenic for Retinal dystrophy. Last evaluated: 2019-01-01. Review status: criteria provided, single submitter. Criteria: ACMG Guidelines, 2015. Collection method: clinical testing. Allele origin: germline. Affected: yes.

Medical Genetics UMG, Mater Domini University Hospital/ Magna Graecia University of Catanzaro
Classification: Pathogenic for Congenital hypotrichosis with juvenile macular dystrophy. Review status: criteria provided, single submitter. Criteria: ACMG Guidelines, 2015. Collection method: clinical testing. Allele origin: germline. Inheritance: Autosomal recessive inheritance. Affected: yes. Observed: 1 compound heterozygote.
Comment: The c.160+1G>A variant results from a G to A substitution in intron 2 of the CDH3 gene, affecting a donor splice site. This splicing variant is predicted to cause a loss of function. The frequency of this variant in gnomAD database is 0.00001394.

Literature cited by the submitters: PubMed 16199547 (cited by Labcorp Genetics (formerly Invitae), Labcorp); PubMed 15805154 (cited by Labcorp Genetics (formerly Invitae), Labcorp); PubMed 27386845 (cited by Labcorp Genetics (formerly Invitae), Labcorp); PubMed 29620724 (cited by Labcorp Genetics (formerly Invitae), Labcorp); PubMed 17342797 (cited by Labcorp Genetics (formerly Invitae), Labcorp and Institute of Human Genetics, Univ. Regensburg, Univ. Regensburg); PubMed 31696509 (cited by Labcorp Genetics (formerly Invitae), Labcorp and Institute of Human Genetics, Univ. Regensburg, Univ. Regensburg); PubMed 25525159 (cited by Institute of Human Genetics, Univ. Regensburg, Univ. Regensburg); PubMed 31964843 (cited by Institute of Human Genetics, Univ. Regensburg, Univ. Regensburg); PubMed 34301208 (cited by Institute of Human Genetics, Univ. Regensburg, Univ. Regensburg and Medical Genetics UMG, Mater Domini University Hospital/ Magna Graecia University of Catanzaro).